The following is an entry in ClinVar:

ClinVar aggregate classification (germline): Likely benign (1 of 4 stars; one submission).

Allele frequency attached by ClinVar (database versions not stated): TOPMed below 0.00001; gnomAD 0.00001; gnomAD exomes 0.00002 and 0.00005; ExAC 0.00003.
gnomAD v4.1: 67 of 1,608,476 alleles (0.0042%); highest among the groups gnomAD compares: Non-Finnish European, 0.0053%; no homozygotes.

Submission:

GeneDx
Classification: Likely benign. Last evaluated: 2016-10-04. Review status: criteria provided, single submitter. Criteria: GeneDx Variant Classification (06012015). Collection method: clinical testing. Allele origin: germline. Affected: yes.
Comment: This variant is considered likely benign or benign based on one or more of the following criteria: it is a conservative change, it occurs at a poorly conserved position in the protein, it is predicted to be benign by multiple in silico algorithms, and/or has population frequency not consistent with disease.

NM_005359.6(SMAD4):c.-28T>C

Gene: SMAD4 (SMAD family member 4; plus strand). Cytogenetic location: 18q21.2.
Variant type: single nucleotide variant.
Coding change: c.-28T>C on transcript NM_005359.6 (MANE Select); 28 bases upstream of the start codon, T replaced by C.
Molecular consequence: 5 prime UTR variant.
Genome position (GRCh38, 1-based): chr18:51,047,019, T>C. VCF-style: chr18-51047019-T-C. GRCh37 (hg19) VCF-style: chr18-48573389-T-C.
Identifiers: ClinVar variation 389873 (VCV000389873.1), dbSNP rs762899211, ClinGen allele CA8965718.